The following is an entry in ClinVar:

NM_001205293.3(CACNA1E):c.14G>A (p.Gly5Glu)

Gene: CACNA1E (calcium voltage-gated channel subunit alpha1 E; plus strand). Cytogenetic location: 1q25.3.
Variant type: single nucleotide variant.
Coding change: c.14G>A on transcript NM_001205293.3 (MANE Select); coding-DNA position 14, G replaced by A.
Protein change: p.Gly5Glu; replaces glycine 5 with glutamic acid.
Molecular consequence: missense variant.
Genome position (GRCh38, 1-based): chr1:181,483,758, G>A. VCF-style: chr1-181483758-G-A. GRCh37 (hg19) VCF-style: chr1-181452894-G-A.
Other names: c.14G>A, p.Gly5Glu (NM_000721.4, NM_001205294.2); short protein forms G5E.
Identifiers: ClinVar variation 2805324 (VCV002805324.3), dbSNP rs1663514169, ClinGen allele CA343844161.

ClinVar aggregate classification (germline): Uncertain significance (1 of 4 stars; one submission).

Allele frequency attached by ClinVar (database versions not stated): gnomAD exomes 0.00001.
gnomAD v4.1: 7 of 1,608,980 alleles (0.00044%); highest among the groups gnomAD compares: Non-Finnish European, 0.00059%; no homozygotes.

Submission:

Labcorp Genetics (formerly Invitae), Labcorp
Classification: Uncertain significance. Last evaluated: 2024-04-12. Review status: criteria provided, single submitter. Criteria: Invitae Variant Classification Sherloc (09022015). Collection method: clinical testing. Allele origin: germline.
Comment: This sequence change replaces glycine, which is neutral and non-polar, with glutamic acid, which is acidic and polar, at codon 5 of the CACNA1E protein (p.Gly5Glu). This variant is not present in population databases (gnomAD no frequency). This variant has not been reported in the literature in individuals affected with CACNA1E-related conditions. Advanced modeling of protein sequence and biophysical properties (such as structural, functional, and spatial information, amino acid conservation, physicochemical variation, residue mobility, and thermodynamic stability) has been performed at Invitae for this missense variant, however the output from this modeling did not meet the statistical confidence thresholds required to predict the impact of this variant on CACNA1E protein function. In summary, the available evidence is currently insufficient to determine the role of this variant in disease. Therefore, it has been classified as a Variant of Uncertain Significance.